The following is an entry in ClinVar:

ClinVar aggregate classification (germline): Likely pathogenic (1 of 4 stars; one submission).

Conditions:
Deficiency of guanidinoacetate methyltransferase (CCDS2). Also called: CEREBRAL CREATINE DEFICIENCY SYNDROME 2; Guanidinoacetate Methyltransferase (GAMT) Deficiency; GAMT DEFICIENCY. Identifiers: Orphanet 382, MedGen C0574080, MONDO:0012999, OMIM 612736.

Submission:

Natera, Inc.
Classification: Likely pathogenic for Guanidinoacetate methyltransferase deficiency. Last evaluated: 2024-03-20. Review status: criteria provided, single submitter. Criteria: Natera Variant Classification Schema (03/2026). Collection method: clinical testing. Allele origin: germline.
Comment: The c.81C>G variant in GAMT is a nonsense variant predicted to introduce a stop codon at amino acid 27. This variant is expected to result in nonsense mediated decay, truncation, or a dysfunctional protein product. This variant is rare in the general population with a frequency below the threshold expected for the associated phenotype(s). Given the available evidence, this variant is classified as Likely Pathogenic.

NM_000156.6(GAMT):c.81C>G (p.Tyr27Ter)

Genes: GAMT (guanidinoacetate N-methyltransferase; minus strand), LOC130062945 (ATAC-STARR-seq lymphoblastoid silent region 9707; plus strand). Cytogenetic location: 19p13.3.
Variant type: single nucleotide variant.
Coding change: c.81C>G on transcript NM_000156.6 (MANE Select); coding-DNA position 81, C replaced by G.
Protein change: p.Tyr27Ter; replaces tyrosine 27 with a stop codon.
Molecular consequence: nonsense.
Genome position (GRCh38, 1-based): chr19:1,401,396, G>C on the plus strand (C>G on the coding strand, the complement: GAMT is on the minus strand). VCF-style: chr19-1401396-G-C. GRCh37 (hg19) VCF-style: chr19-1401395-G-C.
Other names: c.81C>G, p.Tyr27Ter (NM_138924.3); short protein forms Y27*.
Identifiers: ClinVar variation 4817657 (VCV004817657.1).